The following is an entry in ClinVar:

ClinVar aggregate classification (germline): Pathogenic. Review status: criteria provided, multiple submitters, no conflicts (2 of 4 stars). 3 submissions from 3 submitters: Pathogenic (3). Last evaluated 2025-10-02.

Conditions:
Hereditary cancer-predisposing syndrome. Also called: Tumor predisposition; Hereditary Cancer Syndrome; Hereditary neoplastic syndrome; Neoplastic Syndromes, Hereditary. Identifiers: Orphanet 140162, MedGen C0027672, MeSH D009386, MONDO:0015356.
Familial adenomatous polyposis 1 (FAP1). Also called: FAMILIAL ADENOMATOUS POLYPOSIS 1, ATTENUATED; POLYPOSIS, ADENOMATOUS INTESTINAL. Identifiers: MedGen C2713442, MONDO:0021056, OMIM 175100. Disease mechanism: loss of function.

Submissions (3):

Ambry Genetics
Classification: Pathogenic for Hereditary cancer-predisposing syndrome. Last evaluated: 2025-10-02. Review status: criteria provided, single submitter. Criteria: Ambry Variant Classification Scheme 2023. Collection method: clinical testing. Allele origin: germline.
Comment: The c.163_164insG pathogenic mutation, located in coding exon 2 of the APC gene, results from an insertion of one nucleotide at position 163, causing a translational frameshift with a predicted alternate stop codon (p.I55Sfs*2). This mutation has been detected in multiple patients with colon polyposis and/or cancer (Ambry internal data). This variant is considered to be rare based on population cohorts in the Genome Aggregation Database (gnomAD). This alteration is expected to result in loss of function by premature protein truncation or nonsense-mediated mRNA decay. As such, this alteration is interpreted as a disease-causing mutation. However, alterations that result in premature termination in coding exon 2 are associated with an attenuated phenotype and may have reduced penetrance compared to classic familial adenomatous polyposis syndrome. Clinical correlation is advised.

Myriad Genetics, Inc.
Classification: Pathogenic for Familial adenomatous polyposis 1. Last evaluated: 2023-04-24. Review status: criteria provided, single submitter. Criteria: Myriad Autosomal Dominant, Autosomal Recessive and X-Linked Classification Criteria (2023). Collection method: clinical testing. Allele origin: unknown.
Comment: This variant is considered pathogenic. This variant creates a frameshift predicted to result in premature protein truncation.

Labcorp Genetics (formerly Invitae), Labcorp
Classification: Pathogenic for Familial adenomatous polyposis 1. Last evaluated: 2019-03-28. Review status: criteria provided, single submitter. Criteria: Invitae Variant Classification Sherloc (09022015). Collection method: clinical testing. Allele origin: germline.
Comment: For these reasons, this variant has been classified as Pathogenic. Loss-of-function variants in APC are known to be pathogenic (PMID: 17963004, 20685668). This variant has not been reported in the literature in individuals with APC-related conditions. This variant is not present in population databases (ExAC no frequency). This sequence change creates a premature translational stop signal (p.Ile55Serfs*2) in the APC gene. It is expected to result in an absent or disrupted protein product.

Literature cited by the submitters: PubMed 17963004 (cited by Labcorp Genetics (formerly Invitae), Labcorp); PubMed 20685668 (cited by Labcorp Genetics (formerly Invitae), Labcorp).

NM_000038.6(APC):c.163_164insG (p.Ile55fs)

Gene: APC (APC regulator of Wnt signaling pathway; plus strand). Cytogenetic location: 5q22.2.
Variant type: Insertion.
Coding change: c.163_164insG on transcript NM_000038.6 (MANE Select); coding-DNA positions 163 to 164, G inserted.
Protein change: p.Ile55fs; shifts the reading frame from isoleucine 55.
Molecular consequence: frameshift variant. On other transcripts: 5 prime UTR variant (4).
Genome position: GRCh38 VCF-style: chr5-112766353-A-AG. GRCh37 (hg19) VCF-style: chr5-112102050-A-AG.
Other names: c.-15_-14insG (NM_001354905.2, NM_001354900.2, NM_001354901.2); c.-873_-872insG (NM_001354906.2); c.163_164insG, p.Ile55fs (NM_001127510.3, NM_001354895.2, NM_001354896.2 and 2 more transcripts); c.193_194insG, p.Ile65fs (NM_001127511.3, NM_001354897.2, NM_001354902.2); c.88_89insG, p.Ile30fs (NM_001354898.2, NM_001354904.2); short protein forms I65fs, I30fs, I55fs.
Identifiers: ClinVar variation 486772 (VCV000486772.16), dbSNP rs1554069524, ClinGen allele CA658657469.
Genomic context (GRCh38, chr5:112,766,353, plus strand): 5'-TTTCATGTTAATATATTGTGTTCTTTTTAACAGGAAGTACTTAAACAACTACAAGGAAGT[A>AG]TTGAAGATGAAGCTATGGCTTCTTCTGGACAGATTGATTTATTAGAGCGTCTTAAAGGTA-3'